The following is an entry in ClinVar:

ClinVar aggregate classification (germline): Uncertain significance (1 of 4 stars; one submission).

Submission:

Ambry Genetics
Classification: Uncertain significance. Last evaluated: 2023-03-11. Review status: criteria provided, single submitter. Criteria: Ambry Variant Classification Scheme 2023. Collection method: clinical testing. Allele origin: germline.
Comment: The p.I1074T variant (also known as c.3221T>C), located in coding exon 25 of the BUB1 gene, results from a T to C substitution at nucleotide position 3221. The isoleucine at codon 1074 is replaced by threonine, an amino acid with similar properties. This amino acid position is conserved. In addition, this alteration is predicted to be tolerated by in silico analysis. Since supporting evidence is limited at this time, the clinical significance of this alteration remains unclear.

NM_004336.5(BUB1):c.3221T>C (p.Ile1074Thr)

Gene: BUB1 (BUB1 mitotic checkpoint serine/threonine kinase; minus strand). Cytogenetic location: 2q13.
Variant type: single nucleotide variant.
Coding change: c.3221T>C on transcript NM_004336.5 (MANE Select); coding-DNA position 3221, T replaced by C.
Protein change: p.Ile1074Thr; replaces isoleucine 1074 with threonine.
Molecular consequence: missense variant.
Genome position (GRCh38, 1-based): chr2:110,638,001, A>G on the plus strand (T>C on the coding strand, the complement: BUB1 is on the minus strand). VCF-style: chr2-110638001-A-G. GRCh37 (hg19) VCF-style: chr2-111395578-A-G.
Other names: c.3161T>C, p.Ile1054Thr (NM_001278616.2); c.3050T>C, p.Ile1017Thr (NM_001278617.2); short protein forms I1074T, I1017T, I1054T.
Identifiers: ClinVar variation 2464961 (VCV002464961.2), dbSNP rs2467963145, ClinGen allele CA348088278.
Genomic context (GRCh38, chr2:110,638,001, plus strand): 5'-TAAGGACTGTCTATATCCAAATTTTATTTTCGTGAACGCTTACATTCTAAGAGCAGTACA[A>G]TTAGCCTATTACGTAGGGCCCTAATCTTGTTAGTATAGTGTTGTTGAAATACTTTCTTCA-3'
Protein context (NP_004327.1, residues 1064-1084): NKIRALRNRL[Ile1074Thr]VLLLECKRSR